The following is an entry in ClinVar:

ClinVar aggregate classification (germline): Likely pathogenic (1 of 4 stars; one submission).

Conditions:
Congenital factor V deficiency. Also called: OWREN PARAHEMOPHILIA; PARAHEMOPHILIA; Hereditary factor V deficiency disease; LABILE FACTOR DEFICIENCY. Identifiers: Orphanet 326, MedGen C0015499, MONDO:0009210, OMIM 227400.

Submission:

Juno Genomics, Hangzhou Juno Genomics, Inc
Classification: Likely pathogenic for Congenital factor V deficiency. Review status: criteria provided, single submitter. Criteria: ACMG Guidelines, 2015. Collection method: clinical testing. Allele origin: germline.
Comment: Null variant in a gene where loss of function (LOF) is a known mechanism of disease.;Absent from controls (or at extremely low frequency if recessive) in Genome Aggregation Database.

NM_000130.5(F5):c.6298del (p.Arg2100fs)

Gene: F5 (coagulation factor V; minus strand). Cytogenetic location: 1q24.2.
Variant type: Deletion.
Coding change: c.6298del on transcript NM_000130.5 (MANE Select); coding-DNA position 6298, one base deleted (C; older notation c.6298delC).
Protein change: p.Arg2100fs; shifts the reading frame from arginine 2100.
Molecular consequence: frameshift variant.
Genome position (GRCh38, 1-based): chr1:169,518,459, G deleted on the plus strand (C on the coding strand, the reverse complement: F5 is on the minus strand); the first of 2 consecutive G bases (chr1:169,518,459-169,518,460); deleting either gives the same sequence. VCF-style (leftmost placement, unchanged base first): chr1-169518458-CG-C. GRCh37 (hg19) VCF-style: chr1-169487696-CG-C.
Other names: short protein forms R2100fs.
Identifiers: ClinVar variation 5005183 (VCV005005183.2).